The following is an entry in ClinVar:

ClinVar aggregate classification (germline): Conflicting classifications of pathogenicity. Review status: criteria provided, conflicting classifications (1 of 4 stars). 5 submissions from 5 submitters: Uncertain significance (2); Likely benign (2). 1 of the submissions does not count toward it. Last evaluated 2025-12-03.

Conditions:
Microcephalic osteodysplastic primordial dwarfism type II (MOPD2). Also called: OSTEODYSPLASTIC PRIMORDIAL DWARFISM, TYPE II; Microcephalic osteodysplastic primordial dwarfism with tooth abnormalities; MOPD II. Identifiers: Orphanet 2637, MedGen C0432246, MONDO:0008872, OMIM 210720.
PCNT-related disorder. Also called: PCNT-related condition.

Allele frequency attached by ClinVar (database versions not stated): gnomAD exomes 0.00012 and 0.00029; gnomAD 0.00013 and 0.00015; TOPMed 0.00014; ExAC 0.00025.
gnomAD v4.1: 213 of 1,610,912 alleles (0.013%); highest among the groups gnomAD compares: Admixed American, 0.0083%; 1 homozygote.

Submissions (5):

Labcorp Genetics (formerly Invitae), Labcorp
Classification: Likely benign. Last evaluated: 2025-12-03. Review status: criteria provided, single submitter. Criteria: Invitae Variant Classification Sherloc (09022015). Collection method: clinical testing. Allele origin: germline.

CeGaT Center for Human Genetics Tuebingen
Classification: Uncertain significance. Last evaluated: 2024-02-01. Review status: criteria provided, single submitter. Criteria: CeGaT Center For Human Genetics Tuebingen Variant Classification Criteria Version 2. Collection method: clinical testing. Allele origin: germline. Affected: yes. Observed: 1 variant allele.
Comment: PCNT: PM2, BP4

Genetic Services Laboratory, University of Chicago
Classification: Likely benign. Last evaluated: 2020-06-09. Review status: criteria provided, single submitter. Criteria: ACMG Guidelines, 2015. Collection method: clinical testing. Allele origin: germline. Affected: no.

Illumina Laboratory Services, Illumina
Classification: Uncertain significance for Microcephalic osteodysplastic primordial dwarfism type II. Last evaluated: 2018-01-12. Review status: criteria provided, single submitter. Criteria: ICSL Variant Classification Criteria 13 December 2019. Collection method: clinical testing. Allele origin: germline.

PreventionGenetics, part of Exact Sciences
Classification: Likely benign for PCNT-related condition. Last evaluated: 2019-06-19. Review status: no assertion criteria provided. Collection method: clinical testing. Allele origin: germline. Not counted in ClinVar's aggregate classification.
Comment: This variant is classified as likely benign based on ACMG/AMP sequence variant interpretation guidelines (Richards et al. 2015 PMID: 25741868, with internal and published modifications).

NM_006031.6(PCNT):c.1370A>G (p.Glu457Gly)

Gene: PCNT (pericentrin; plus strand). Cytogenetic location: 21q22.3.
Variant type: single nucleotide variant.
Coding change: c.1370A>G on transcript NM_006031.6 (MANE Select); coding-DNA position 1370, A replaced by G.
Protein change: p.Glu457Gly; replaces glutamic acid 457 with glycine.
Molecular consequence: missense variant.
Genome position (GRCh38, 1-based): chr21:46,351,454, A>G. VCF-style: chr21-46351454-A-G. GRCh37 (hg19) VCF-style: chr21-47771368-A-G.
Other names: c.1016A>G, p.Glu339Gly (NM_001315529.2); short protein forms E457G, E339G.
Identifiers: ClinVar variation 340471 (VCV000340471.35), dbSNP rs147868583, ClinGen allele CA10078599.